The following is an entry in ClinVar:

ClinVar aggregate classification (germline): Conflicting classifications of pathogenicity. Review status: criteria provided, conflicting classifications (1 of 4 stars). 3 submissions from 3 submitters: Uncertain significance (1); Likely benign (1). 1 of the submissions does not count toward it. Last evaluated 2025-10-08.

Conditions:
WDR19-related disorder. Also called: WDR19-related disorders; WDR19-related condition. Identifiers: MedGen CN380161.
Senior-Loken syndrome 8 (SLSN8). Identifiers: Orphanet 3156, MedGen C4225376, MONDO:0014579, OMIM 616307.
Asphyxiating thoracic dystrophy 5 (SRTD5). Also called: SHORT-RIB THORACIC DYSPLASIA 5 WITH OR WITHOUT POLYDACTYLY; SHORT-RIB THORACIC DYSPLASIA 5 WITHOUT POLYDACTYLY. Identifiers: Orphanet 474, MedGen C3280598, MONDO:0013717, OMIM 614376.

Allele frequency attached by ClinVar (database versions not stated): gnomAD exomes 0.00003 and 0.00007; gnomAD 0.00005 and 0.00006; TOPMed 0.00006; ExAC 0.00011; ESP Exome Variant Server 0.00018.

Submissions (3):

Labcorp Genetics (formerly Invitae), Labcorp
Classification: Likely benign for Senior-Loken syndrome 8; Asphyxiating thoracic dystrophy 5. Last evaluated: 2025-10-08. Review status: criteria provided, single submitter. Criteria: Invitae Variant Classification Sherloc (09022015). Collection method: clinical testing. Allele origin: germline.

Blueprint Genetics
Classification: Uncertain significance. Last evaluated: 2022-08-04. Review status: criteria provided, single submitter. Criteria: ACMG Guidelines, 2015. Collection method: clinical testing. Allele origin: germline.

PreventionGenetics, part of Exact Sciences
Classification: Likely benign for WDR19-related condition. Last evaluated: 2019-04-10. Review status: no assertion criteria provided. Collection method: clinical testing. Allele origin: germline. Not counted in ClinVar's aggregate classification.
Comment: This variant is classified as likely benign based on ACMG/AMP sequence variant interpretation guidelines (Richards et al. 2015 PMID: 25741868, with internal and published modifications).

NM_025132.4(WDR19):c.604-5_604-4del

Gene: WDR19 (WD repeat domain 19; plus strand). Cytogenetic location: 4p14.
Variant type: Deletion.
Coding change: c.604-5_604-4del on transcript NM_025132.4 (MANE Select); 5 bases into the intron before coding-DNA position 604 through 4 bases into the intron before coding-DNA position 604, 2 bases deleted (GG; older notation c.604-5_604-4delGG).
Molecular consequence: intron variant.
Genome position (GRCh38, 1-based): chr4:39,205,149-39,205,150, GG deleted. VCF-style (leftmost placement, unchanged base first): chr4-39205148-TGG-T. GRCh37 (hg19) VCF-style: chr4-39206768-TGG-T.
Other names: c.604-5_604-4delGG (NM_025132.3); c.124-5_124-4del (NM_001317924.2).
Identifiers: ClinVar variation 1158784 (VCV001158784.12), dbSNP rs747438345, ClinGen allele CA2891669.